The following is an entry in ClinVar:

ClinVar aggregate classification (germline): Benign. Review status: criteria provided, multiple submitters, no conflicts (2 of 4 stars). 7 submissions from 7 submitters: Benign (7). Last evaluated 2026-01-28.

Conditions:
Cardiovascular phenotype. Identifiers: MedGen CN230736.
Long QT syndrome (LQTS). Identifiers: MedGen C0023976, MeSH D008133, MONDO:0002442. Disease mechanism: loss of function. Inheritance: Various modes of inheritance.
Long QT syndrome 12 (LQT12). Identifiers: Orphanet 101016, Orphanet 768, MedGen C2751830, MONDO:0013062, OMIM 612955.

Allele frequency attached by ClinVar (database versions not stated): gnomAD exomes 0.00047 and 0.00051; ExAC 0.00054; gnomAD 0.00542 and 0.00585; TOPMed 0.00583; 1000 Genomes Project 0.00599; 1000 Genomes Project 30x 0.00671.
gnomAD v4.1: 1,441 of 1,366,196 alleles (0.11%); highest among the groups gnomAD compares: African/African-American, 1.8%; 14 homozygotes.

Submissions (7):

Labcorp Genetics (formerly Invitae), Labcorp
Classification: Benign for Long QT syndrome. Last evaluated: 2026-01-28. Review status: criteria provided, single submitter. Criteria: Invitae Variant Classification Sherloc (09022015). Collection method: clinical testing. Allele origin: germline.

ARUP Laboratories, Molecular Genetics and Genomics, ARUP Laboratories
Classification: Benign for Long QT syndrome 12. Last evaluated: 2021-04-13. Review status: criteria provided, single submitter. Criteria: ARUP Molecular Germline Variant Investigation Process 2021. Collection method: clinical testing. Allele origin: germline.

Molecular Diagnostic Laboratory for Inherited Cardiovascular Disease, Montreal Heart Institute
Classification: Benign. Last evaluated: 2019-11-20. Review status: criteria provided, single submitter. Criteria: ACMG Guidelines, 2015. Collection method: clinical testing. Allele origin: germline. Affected: yes.

Ambry Genetics
Classification: Benign for Cardiovascular phenotype. Last evaluated: 2018-06-11. Review status: criteria provided, single submitter. Criteria: Ambry Variant Classification Scheme 2023. Collection method: clinical testing. Allele origin: germline.

Illumina Laboratory Services, Illumina
Classification: Benign for Long QT syndrome 12. Last evaluated: 2018-01-13. Review status: criteria provided, single submitter. Criteria: ICSL Variant Classification Criteria 13 December 2019. Collection method: clinical testing. Allele origin: germline.
Comment: This variant was observed in the ICSL laboratory as part of a predisposition screen in an ostensibly healthy population. It had not been previously curated by ICSL or reported in the Human Gene Mutation Database (HGMD: prior to June 1st, 2018), and was therefore a candidate for classification through an automated scoring system. Utilizing variant allele frequency, disease prevalence and penetrance estimates, and inheritance mode, an automated score was calculated to assess if this variant is too frequent to cause the disease. Based on the score and internal cut-off values, a variant classified as benign is not then subjected to further curation. The score for this variant resulted in a classification of benign for this disease.

GeneDx
Classification: Benign. Last evaluated: 2013-09-20. Review status: criteria provided, single submitter. Criteria: GeneDx Variant Classification (06012015). Collection method: clinical testing. Allele origin: germline. Affected: yes.
Comment: This variant is considered likely benign or benign based on one or more of the following criteria: it is a conservative change, it occurs at a poorly conserved position in the protein, it is predicted to be benign by multiple in silico algorithms, and/or has population frequency not consistent with disease.

Breakthrough Genomics
Classification: Benign. Review status: criteria provided, single submitter. Criteria: ACMG Guidelines, 2015. Collection method: not provided. Allele origin: germline. Inheritance: Autosomal dominant inheritance. Affected: yes.

NM_003098.3(SNTA1):c.166C>T (p.Pro56Ser)

Gene: SNTA1 (syntrophin alpha 1; minus strand). Cytogenetic location: 20q11.21.
Variant type: single nucleotide variant.
Coding change: c.166C>T on transcript NM_003098.3 (MANE Select); coding-DNA position 166, C replaced by T.
Protein change: p.Pro56Ser; replaces proline 56 with serine.
Molecular consequence: missense variant.
Genome position (GRCh38, 1-based): chr20:33,443,455, G>A on the plus strand (C>T on the coding strand, the complement: SNTA1 is on the minus strand). VCF-style: chr20-33443455-G-A. GRCh37 (hg19) VCF-style: chr20-32031261-G-A.
Other names: p.P56S:CCG>TCG; short protein forms P56S.
Identifiers: ClinVar variation 139224 (VCV000139224.27), dbSNP rs573772189, ClinGen allele CA293641.